The following is an entry in ClinVar:

ClinVar aggregate classification (germline): Uncertain significance (1 of 4 stars; one submission).

Conditions:
SCAPER-related disorder. Also called: SCAPER-related condition.

gnomAD v4.1: 7 of 1,610,290 alleles (0.00043%); highest among the groups gnomAD compares: African/African-American, 0.0053%; no homozygotes.

Submission:

PreventionGenetics, part of Exact Sciences
Classification: Uncertain significance for SCAPER-related condition. Last evaluated: 2024-10-13. Review status: criteria provided, single submitter. Criteria: ACMG Guidelines, 2015. Collection method: clinical testing. Allele origin: germline.
Comment: The SCAPER c.2816A>G variant is predicted to result in the amino acid substitution p.Asp939Gly. To our knowledge, this variant has not been reported in the literature. This variant is reported in 0.0066% of alleles in individuals of African descent in gnomAD. At this time, the clinical significance of this variant is uncertain due to the absence of conclusive functional and genetic evidence.

NM_020843.4(SCAPER):c.2798A>G (p.Asp933Gly)

Gene: SCAPER (S-phase cyclin A associated protein in the ER; minus strand). Cytogenetic location: 15q24.3.
Variant type: single nucleotide variant.
Coding change: c.2798A>G on transcript NM_020843.4 (MANE Select); coding-DNA position 2798, A replaced by G.
Protein change: p.Asp933Gly; replaces aspartic acid 933 with glycine.
Molecular consequence: missense variant. On other transcripts: non-coding transcript variant (1).
Genome position (GRCh38, 1-based): chr15:76,574,198, T>C on the plus strand (A>G on the coding strand, the complement: SCAPER is on the minus strand). VCF-style: chr15-76574198-T-C. GRCh37 (hg19) VCF-style: chr15-76866539-T-C.
Other names: c.2060A>G, p.Asp687Gly (NM_001145923.2); c.2816A>G, p.Asp939Gly (NM_001353009.2); c.2396A>G, p.Asp799Gly (NM_001353010.2, NM_001353012.2); c.2414A>G, p.Asp805Gly (NM_001353011.2); short protein forms D687G, D799G, D805G, D933G, D939G.
Identifiers: ClinVar variation 4986011 (VCV004986011.1).